The following is an entry in ClinVar:

ClinVar aggregate classification (germline): Likely benign (1 of 4 stars; one submission).

gnomAD v4.1: 7 of 1,614,024 alleles (0.00043%); highest among the groups gnomAD compares: South Asian, 0.0077%; no homozygotes.

Submission:

ARUP Laboratories, Molecular Genetics and Genomics, ARUP Laboratories
Classification: Likely benign. Last evaluated: 2018-03-02. Review status: criteria provided, single submitter. Criteria: ARUP Molecular Germline Variant Investigation Process. Collection method: clinical testing. Allele origin: germline.
Comment: The c.1647C>T; p.Phe549Phe variant,to our knowledge, is not reported in the medical literature, gene specific variation databases, nor has it been previously identified by our laboratory. This variant is listed in the genome Aggregation Database (gnomAD) with an overall population frequency of 0.008% (identified on 2 out of 246,244 chromosomes). The c.1647C>T variant does not alter the amino acid sequence of the KCNQ4 protein and computational splice site prediction algorithms do not predict a change in the nearest splice site or creation of a cryptic splice site. Based on the available information, the c.1647C>T variant is likely to be benign.

NM_004700.4(KCNQ4):c.1647C>T (p.Phe549=)

Gene: KCNQ4 (potassium voltage-gated channel subfamily Q member 4; plus strand). Cytogenetic location: 1p34.2.
Variant type: single nucleotide variant.
Coding change: c.1647C>T on transcript NM_004700.4 (MANE Select); coding-DNA position 1647, C replaced by T.
Protein change: p.Phe549=; no amino-acid change (phenylalanine 549 retained).
Molecular consequence: synonymous variant.
Genome position (GRCh38, 1-based): chr1:40,835,000, C>T. VCF-style: chr1-40835000-C-T. GRCh37 (hg19) VCF-style: chr1-41300672-C-T.
Other names: c.1485C>T, p.Phe495= (NM_172163.3).
Identifiers: ClinVar variation 618187 (VCV000618187.8), dbSNP rs1362729181, ClinGen allele CA417357750.